The following is an entry in ClinVar:

ClinVar aggregate classification (germline): Uncertain significance (1 of 4 stars; one submission).

Conditions:
Cataract 18 (CATC2). Also called: CATARACT 18, AUTOSOMAL RECESSIVE. Identifiers: Orphanet 91492, Orphanet 98991, Orphanet 98992, Orphanet 98995, MedGen C1864908, MONDO:0012395, OMIM 610019.

Allele frequency attached by ClinVar (database versions not stated): gnomAD exomes 0.00001 and 0.00003; ExAC 0.00002; gnomAD 0.00009 and 0.00010; ESP Exome Variant Server 0.00015; TOPMed 0.00016.
gnomAD v4.1: 33 of 1,614,058 alleles (0.002%); highest among the groups gnomAD compares: African/African-American, 0.035%; no homozygotes.

Submission:

Labcorp Genetics (formerly Invitae), Labcorp
Classification: Uncertain significance for Cataract 18. Last evaluated: 2020-03-10. Review status: criteria provided, single submitter. Criteria: Invitae Variant Classification Sherloc (09022015). Collection method: clinical testing. Allele origin: germline.
Comment: This sequence change replaces asparagine with serine at codon 1431 of the FYCO1 protein (p.Asn1431Ser). The asparagine residue is moderately conserved and there is a small physicochemical difference between asparagine and serine. In summary, the available evidence is currently insufficient to determine the role of this variant in disease. Therefore, it has been classified as a Variant of Uncertain Significance. Algorithms developed to predict the effect of missense changes on protein structure and function output the following: SIFT: "Tolerated"; PolyPhen-2: "Benign"; Align-GVGD: "Class C0". The serine amino acid residue is found in multiple mammalian species, suggesting that this missense change does not adversely affect protein function. These predictions have not been confirmed by published functional studies and their clinical significance is uncertain. This variant has not been reported in the literature in individuals with FYCO1-related conditions. This variant is present in population databases (rs372021321, ExAC 0.02%).

NM_024513.4(FYCO1):c.4292A>G (p.Asn1431Ser)

Gene: FYCO1 (FYVE and coiled-coil domain autophagy adaptor 1; minus strand). Cytogenetic location: 3p21.31.
Variant type: single nucleotide variant.
Coding change: c.4292A>G on transcript NM_024513.4 (MANE Select); coding-DNA position 4292, A replaced by G.
Protein change: p.Asn1431Ser; replaces asparagine 1431 with serine.
Molecular consequence: missense variant.
Genome position (GRCh38, 1-based): chr3:45,923,725, T>C on the plus strand (A>G on the coding strand, the complement: FYCO1 is on the minus strand). VCF-style: chr3-45923725-T-C. GRCh37 (hg19) VCF-style: chr3-45965217-T-C.
Other names: short protein forms N1431S.
Identifiers: ClinVar variation 655448 (VCV000655448.5), dbSNP rs372021321, ClinGen allele CA2352337.